The following is an entry in ClinVar:

NM_030632.3(ASXL3):c.1978_1981del (p.Asp660fs)

Gene: ASXL3 (ASXL transcriptional regulator 3; plus strand). Cytogenetic location: 18q12.1.
Variant type: Deletion.
Coding change: c.1978_1981del on transcript NM_030632.3 (MANE Select); coding-DNA positions 1978 to 1981, 4 bases deleted (GACA; older notation c.1978_1981delGACA).
Protein change: p.Asp660fs; shifts the reading frame from aspartic acid 660.
Molecular consequence: frameshift variant.
Genome position (GRCh38, 1-based): chr18:33,739,382-33,739,385, GACA deleted; deleting any 4 consecutive bases within chr18:33,739,379-33,739,385 gives the same sequence; the c. name uses the placement nearest the transcript's 3' end. VCF-style (leftmost placement, unchanged base first): chr18-33739378-TACAG-T. GRCh37 (hg19) VCF-style: chr18-31319342-TACAG-T.
Other names: c.1978_1981delGACA (NM_030632.3, NM_030632.1); short protein forms D660fs.
Identifiers: ClinVar variation 441020 (VCV000441020.5), dbSNP rs1555742500, ClinGen allele CA658653850.
Genomic context (GRCh38, chr18:33,739,378, plus strand): 5'-ATCATGTACTCCAGCCTCCCTTGAGACAACATTTTGTTCTGAGGTATCTAGCACTGAAAA[TACAG>T]ACAAATACAACCAGAGAAATTCCACTGATGAAAACTTTCATGCATCTTTGATGTCAGAAA-3'

ClinVar aggregate classification (germline): Pathogenic. Review status: criteria provided, multiple submitters, no conflicts (2 of 4 stars). 3 submissions from 3 submitters: Pathogenic (2). 1 of the submissions does not count toward it. Last evaluated 2017-12-31.

Conditions:
Inborn genetic diseases. Identifiers: MedGen C0950123, MeSH D030342.
Bainbridge-Ropers syndrome. Also called: Severe feeding difficulties-failure to thrive-microcephaly due to ASXL3 deficiency syndrome. Identifiers: Orphanet 352577, MedGen C4750837, MONDO:0014205, OMIM 615485.

Submissions (3):

Baylor Genetics
Classification: Pathogenic for Bainbridge-Ropers syndrome. Last evaluated: 2017-12-31. Review status: criteria provided, single submitter. Criteria: ACMG Guidelines, 2015. Collection method: clinical testing. Allele origin: germline. Affected: yes.

Ambry Genetics
Classification: Pathogenic for Inborn genetic diseases. Last evaluated: 2017-06-02. Review status: criteria provided, single submitter. Criteria: Ambry exome assertion method (8-5-2015). Collection method: clinical testing. Allele origin: germline. Affected: yes. Observed: 1 variant allele.

OMIM
Classification: Pathogenic for BAINBRIDGE-ROPERS SYNDROME. Last evaluated: 2013-02-05. Review status: no assertion criteria provided. Collection method: literature only. Allele origin: germline. Not counted in ClinVar's aggregate classification.

Literature cited by the submitters: PubMed 23383720 (cited by Ambry Genetics and OMIM).